The following is an entry in ClinVar:

ClinVar aggregate classification (germline): Uncertain significance (1 of 4 stars; one submission).

Allele frequency attached by ClinVar (database versions not stated): gnomAD exomes below 0.00001.
gnomAD v4.1: 2 of 1,613,974 alleles (0.00012%); highest among the groups gnomAD compares: Non-Finnish European, 0.00017%; no homozygotes.

Submission:

Labcorp Genetics (formerly Invitae), Labcorp
Classification: Uncertain significance. Last evaluated: 2023-10-12. Review status: criteria provided, single submitter. Criteria: Invitae Variant Classification Sherloc (09022015). Collection method: clinical testing. Allele origin: germline.
Comment: This sequence change replaces glycine, which is neutral and non-polar, with valine, which is neutral and non-polar, at codon 82 of the PAFAH1B1 protein (p.Gly82Val). This variant is not present in population databases (gnomAD no frequency). This variant has not been reported in the literature in individuals affected with PAFAH1B1-related conditions. An algorithm developed to predict the effect of missense changes on protein structure and function (PolyPhen-2) suggests that this variant is likely to be tolerated. In summary, the available evidence is currently insufficient to determine the role of this variant in disease. Therefore, it has been classified as a Variant of Uncertain Significance.

NM_000430.4(PAFAH1B1):c.245G>T (p.Gly82Val)

Gene: PAFAH1B1 (platelet activating factor acetylhydrolase 1b regulatory subunit 1; plus strand). Cytogenetic location: 17p13.3.
Variant type: single nucleotide variant.
Coding change: c.245G>T on transcript NM_000430.4 (MANE Select); coding-DNA position 245, G replaced by T.
Protein change: p.Gly82Val; replaces glycine 82 with valine.
Molecular consequence: missense variant.
Genome position (GRCh38, 1-based): chr17:2,667,044, G>T. VCF-style: chr17-2667044-G-T. GRCh37 (hg19) VCF-style: chr17-2570338-G-T.
Other names: short protein forms G82V.
Identifiers: ClinVar variation 2767768 (VCV002767768.3), dbSNP rs2544090056, ClinGen allele CA397638636.